The following is an entry in ClinVar:

NM_004415.4(DSP):c.4850dup (p.Gln1618fs)

Gene: DSP (desmoplakin; plus strand). Cytogenetic location: 6p24.3.
Variant type: Duplication.
Coding change: c.4850dup on transcript NM_004415.4 (MANE Select); coding-DNA position 4850, one base duplicated (A; older notation c.4850dupA).
Protein change: p.Gln1618fs; shifts the reading frame from glutamine 1618.
Molecular consequence: frameshift variant. On other transcripts: intron variant (2).
Genome position (GRCh38, 1-based): chr6:7,581,040, A duplicated. VCF-style (leftmost placement, unchanged base first): chr6-7581039-C-CA. GRCh37 (hg19) VCF-style: chr6-7581272-C-CA.
Other names: c.4050+800dup (NM_001319034.2); c.3582+1268dup (NM_001008844.3); short protein forms Q1618fs.
Identifiers: ClinVar variation 3759712 (VCV003759712.2).

ClinVar aggregate classification (germline): Pathogenic (1 of 4 stars; one submission).

Conditions:
Arrhythmogenic cardiomyopathy with wooly hair and keratoderma. Also called: PALMOPLANTAR KERATODERMA WITH LEFT VENTRICULAR CARDIOMYOPATHY AND WOOLLY HAIR; Carvajal syndrome; Dilated cardiomyopathy with woolly hair and keratoderma; Arrhythmogenic cardiomyopathy with woolly hair and keratoderma. Identifiers: Orphanet 65282, MedGen C1854063, MONDO:0011581, OMIM 605676.
Arrhythmogenic right ventricular dysplasia 8 (ARVD8). Also called: Arrhythmogenic Right Ventricular Dysplasia/Cardiomyopathy 8; ARRHYTHMOGENIC RIGHT VENTRICULAR DYSPLASIA, FAMILIAL, 8; ARRHYTHMOGENIC RIGHT VENTRICULAR CARDIOMYOPATHY 8. Identifiers: MedGen C1843896, MONDO:0011831, OMIM 607450.

Submission:

Labcorp Genetics (formerly Invitae), Labcorp
Classification: Pathogenic for Arrhythmogenic cardiomyopathy with wooly hair and keratoderma; Arrhythmogenic right ventricular dysplasia 8. Last evaluated: 2025-02-10. Review status: criteria provided, single submitter. Criteria: Invitae Variant Classification Sherloc (09022015). Collection method: clinical testing. Allele origin: germline.
Comment: This sequence change creates a premature translational stop signal (p.Gln1618Alafs*9) in the DSP gene. It is expected to result in an absent or disrupted protein product. Loss-of-function variants in DSP are known to be pathogenic (PMID: 20716751, 24503780, 25227139). This variant is not present in population databases (gnomAD no frequency). This variant has not been reported in the literature in individuals affected with DSP-related conditions. For these reasons, this variant has been classified as Pathogenic.

Literature cited by the submitters: PubMed 20716751; PubMed 24503780; PubMed 25227139.